The following is an entry in ClinVar:

NM_001376.5(DYNC1H1):c.5046G>A (p.Glu1682=)

Gene: DYNC1H1 (dynein cytoplasmic 1 heavy chain 1; plus strand). Cytogenetic location: 14q32.31.
Variant type: single nucleotide variant.
Coding change: c.5046G>A on transcript NM_001376.5 (MANE Select); coding-DNA position 5046, G replaced by A.
Protein change: p.Glu1682=; no amino-acid change (glutamic acid 1682 retained).
Molecular consequence: synonymous variant.
Genome position (GRCh38, 1-based): chr14:102,004,680, G>A. VCF-style: chr14-102004680-G-A. GRCh37 (hg19) VCF-style: chr14-102471017-G-A.
Identifiers: ClinVar variation 3027149 (VCV003027149.22), dbSNP rs2503738461, ClinGen allele CA488184251.

ClinVar aggregate classification (germline): Likely benign (1 of 4 stars; one submission).

Allele frequency attached by ClinVar (database versions not stated): gnomAD exomes below 0.00001.
gnomAD v4.1: 1 of 1,614,140 alleles (0.000062%); highest among the groups gnomAD compares: Middle Eastern, 0.016%; no homozygotes.

Submission:

CeGaT Center for Human Genetics Tuebingen
Classification: Likely benign. Last evaluated: 2024-02-01. Review status: criteria provided, single submitter. Criteria: CeGaT Center For Human Genetics Tuebingen Variant Classification Criteria Version 2. Collection method: clinical testing. Allele origin: germline. Affected: yes. Observed: 1 variant allele.
Comment: DYNC1H1: PM2:Supporting, BP4, BP7